The following is an entry in ClinVar:

NM_152703.5(SAMD9L):c.3920T>G (p.Phe1307Cys)

Gene: SAMD9L (sterile alpha motif domain containing 9 like; minus strand). Cytogenetic location: 7q21.2.
Variant type: single nucleotide variant.
Coding change: c.3920T>G on transcript NM_152703.5 (MANE Select); coding-DNA position 3920, T replaced by G.
Protein change: p.Phe1307Cys; replaces phenylalanine 1307 with cysteine.
Molecular consequence: missense variant.
Genome position (GRCh38, 1-based): chr7:93,132,052, A>C on the plus strand (T>G on the coding strand, the complement: SAMD9L is on the minus strand). VCF-style: chr7-93132052-A-C. GRCh37 (hg19) VCF-style: chr7-92761365-A-C.
Other names: c.3920T>G, p.Phe1307Cys (NM_001303496.3, NM_001303497.3, NM_001303498.3 and 5 more transcripts); short protein forms F1307C.
Identifiers: ClinVar variation 4159406 (VCV004159406.1).

ClinVar aggregate classification (germline): Uncertain significance (1 of 4 stars; one submission).

Conditions:
Inborn genetic diseases. Identifiers: MedGen C0950123, MeSH D030342.

Submission:

Ambry Genetics
Classification: Uncertain significance for Inborn genetic diseases. Last evaluated: 2025-08-15. Review status: criteria provided, single submitter. Criteria: Ambry Variant Classification Scheme 2023. Collection method: clinical testing. Allele origin: germline.
Comment: The p.F1307C variant (also known as c.3920T>G), located in coding exon 1 of the SAMD9L gene, results from a T to G substitution at nucleotide position 3920. The phenylalanine at codon 1307 is replaced by cysteine, an amino acid with highly dissimilar properties. This amino acid position is conserved. In addition, the in silico prediction for this alteration is inconclusive. Based on the available evidence, the clinical significance of this variant remains unclear.